The following is an entry in ClinVar:

NM_001142864.4(PIEZO1):c.5298G>T (p.Lys1766Asn)

Gene: PIEZO1 (piezo type mechanosensitive ion channel component 1 (Er blood group); minus strand). Cytogenetic location: 16q24.3.
Variant type: single nucleotide variant.
Coding change: c.5298G>T on transcript NM_001142864.4 (MANE Select); coding-DNA position 5298, G replaced by T.
Protein change: p.Lys1766Asn; replaces lysine 1766 with asparagine.
Molecular consequence: missense variant.
Genome position (GRCh38, 1-based): chr16:88,721,643, C>A on the plus strand (G>T on the coding strand, the complement: PIEZO1 is on the minus strand). VCF-style: chr16-88721643-C-A. GRCh37 (hg19) VCF-style: chr16-88788051-C-A.
Other names: c.3840G>T, p.Lys1280Asn (NM_014745.1); short protein forms K1280N, K1766N.
Identifiers: ClinVar variation 3033041 (VCV003033041.2), dbSNP rs1281014671, ClinGen allele CA397092076.

ClinVar aggregate classification (germline): Uncertain significance (0 of 4 stars; one submission).

Conditions:
PIEZO1-related disorder. Also called: PIEZO1-related condition; PIEZO1-Related Disorders.

gnomAD v4.1: 2 of 1,550,200 alleles (0.00013%); highest among the groups gnomAD compares: East Asian, 0.0024%; no homozygotes.

Submission:

PreventionGenetics, part of Exact Sciences
Classification: Uncertain significance for PIEZO1-related condition. Last evaluated: 2023-10-27. Review status: no assertion criteria provided. Collection method: clinical testing. Allele origin: germline.
Comment: The PIEZO1 c.5298G>T variant is predicted to result in the amino acid substitution p.Lys1766Asn. To our knowledge, this variant has not been reported in the literature or in a large population database, indicating this variant is rare. At this time, the clinical significance of this variant is uncertain due to the absence of conclusive functional and genetic evidence.